The following is an entry in ClinVar:

ClinVar aggregate classification (germline): Uncertain significance (1 of 4 stars; one submission).

gnomAD v4.1: 1 of 1,614,048 alleles (0.000062%); no homozygotes.

Submission:

Ambry Genetics
Classification: Uncertain significance. Last evaluated: 2025-03-18. Review status: criteria provided, single submitter. Criteria: Ambry Variant Classification Scheme 2023. Collection method: clinical testing. Allele origin: germline.
Comment: The p.Q1216E variant (also known as c.3646C>G), located in coding exon 13 of the CDK12 gene, results from a C to G substitution at nucleotide position 3646. The glutamine at codon 1216 is replaced by glutamic acid, an amino acid with highly similar properties. This amino acid position is conserved. In addition, the in silico prediction for this alteration is inconclusive. Based on the available evidence, the clinical significance of this variant remains unclear.

NM_016507.4(CDK12):c.3646C>G (p.Gln1216Glu)

Gene: CDK12 (cyclin dependent kinase 12; plus strand). Cytogenetic location: 17q12.
Variant type: single nucleotide variant.
Coding change: c.3646C>G on transcript NM_016507.4 (MANE Select); coding-DNA position 3646, C replaced by G.
Protein change: p.Gln1216Glu; replaces glutamine 1216 with glutamic acid.
Molecular consequence: missense variant.
Genome position (GRCh38, 1-based): chr17:39,526,202, C>G. VCF-style: chr17-39526202-C-G. GRCh37 (hg19) VCF-style: chr17-37682455-C-G.
Other names: c.3646C>G, p.Gln1216Glu (NM_015083.4); short protein forms Q1216E.
Identifiers: ClinVar variation 3999238 (VCV003999238.1).